The following is an entry in ClinVar:

NC_000023.10:g.(?_31950260)_(32228258_?)del

Gene: DMD (dystrophin; minus strand). Cytogenetic location: Xp21.1.
Variant type: Deletion.
Identifiers: ClinVar variation 3243571 (VCV003243571.1).

ClinVar aggregate classification (germline): Likely pathogenic (1 of 4 stars; one submission).

Conditions:
Duchenne muscular dystrophy (DMD). Also called: MUSCULAR DYSTROPHY, PSEUDOHYPERTROPHIC PROGRESSIVE, DUCHENNE TYPE; Duchenne Muscular Dystrophy (DMD). Identifiers: Orphanet 98896, MedGen C0013264, MONDO:0010679, OMIM 310200.

Submission:

Labcorp Genetics (formerly Invitae), Labcorp
Classification: Likely pathogenic for Duchenne muscular dystrophy. Last evaluated: 2023-01-03. Review status: criteria provided, single submitter. Criteria: Invitae Variant Classification Sherloc (09022015). Collection method: clinical testing. Allele origin: unknown.
Comment: This variant results in the deletion of exons 45 and part of exon 46 (c.6438+6775_6699del) of the DMD gene. It is expected to disrupt RNA splicing. Variants that disrupt the donor or acceptor splice site typically lead to a loss of protein function (PMID: 16199547), and loss-of-function variants in DMD are known to be pathogenic (PMID: 16770791, 25007885). In summary, the currently available evidence indicates that the variant is pathogenic, but additional data are needed to prove that conclusively. Therefore, this variant has been classified as Likely Pathogenic. This variant has not been reported in the literature in individuals affected with DMD-related conditions.

Literature cited by the submitters: PubMed 16199547; PubMed 16770791; PubMed 25007885.